The following is an entry in ClinVar:

ClinVar aggregate classification (germline): Uncertain significance (1 of 4 stars; one submission).

Conditions:
Retinitis pigmentosa 43 (RP43). Identifiers: Orphanet 791, MedGen C3151139, MONDO:0013437, OMIM 613810.

gnomAD v4.1: 1 of 1,601,044 alleles (0.000062%); highest among the groups gnomAD compares: African/African-American, 0.0013%; no homozygotes.

Submission:

3billion
Classification: Uncertain significance for Retinitis pigmentosa 43. Last evaluated: 2024-02-16. Review status: criteria provided, single submitter. Criteria: ACMG Guidelines, 2015. Collection method: clinical testing. Allele origin: germline. Affected: yes.
Comment: The variant is observed at an extremely low frequency in the gnomAD v2.1.1 dataset (total allele frequency: 0.007%). Predicted Consequence/Location: Canonical splice site: predicted to alter splicing and result in a loss or disruption of normal protein function. Multiple pathogenic loss-of-function variants are reported downstream of the variant. The variant has been reported at least twice as pathogenic without evidence for the classification (ClinVar ID: VCV000866022 /PMID: 29693493 /3billion dataset). Therefore, this variant is classified as Pathogenic according to the recommendation of ACMG/AMP guideline.

NM_000440.3(PDE6A):c.1838+5G>A

Gene: PDE6A (phosphodiesterase 6A; minus strand). Cytogenetic location: 5q32.
Variant type: single nucleotide variant.
Coding change: c.1838+5G>A on transcript NM_000440.3 (MANE Select); 5 bases into the intron after coding-DNA position 1838, G replaced by A.
Molecular consequence: intron variant.
Genome position (GRCh38, 1-based): chr5:149,886,260, C>T on the plus strand (G>A on the coding strand, the complement: PDE6A is on the minus strand). VCF-style: chr5-149886260-C-T. GRCh37 (hg19) VCF-style: chr5-149265823-C-T.
Other names: c.1595+5G>A (NM_001410788.1).
Identifiers: ClinVar variation 3776274 (VCV003776274.1).